The following is an entry in ClinVar:

ClinVar aggregate classification (germline): Uncertain significance. Review status: criteria provided, multiple submitters, no conflicts (2 of 4 stars). 2 submissions from 2 submitters: Uncertain significance (2). Last evaluated 2025-06-12.

Allele frequency attached by ClinVar (database versions not stated): ESP Exome Variant Server 0.00023.

Submissions (2):

Ambry Genetics
Classification: Uncertain significance. Last evaluated: 2025-06-12. Review status: criteria provided, single submitter. Criteria: Ambry Variant Classification Scheme 2023. Collection method: clinical testing. Allele origin: germline.

Labcorp Genetics (formerly Invitae), Labcorp
Classification: Uncertain significance. Last evaluated: 2024-10-17. Review status: criteria provided, single submitter. Criteria: Invitae Variant Classification Sherloc (09022015). Collection method: clinical testing. Allele origin: germline.
Comment: This sequence change replaces glycine, which is neutral and non-polar, with tryptophan, which is neutral and slightly polar, at codon 173 of the PLEKHG2 protein (p.Gly173Trp). This variant is present in population databases (rs138517241, gnomAD 0.02%). This variant has not been reported in the literature in individuals affected with PLEKHG2-related conditions. ClinVar contains an entry for this variant (Variation ID: 2039436). An algorithm developed to predict the effect of missense changes on protein structure and function (PolyPhen-2) suggests that this variant is likely to be disruptive. In summary, the available evidence is currently insufficient to determine the role of this variant in disease. Therefore, it has been classified as a Variant of Uncertain Significance.

NM_022835.3(PLEKHG2):c.517G>T (p.Gly173Trp)

Gene: PLEKHG2 (pleckstrin homology and RhoGEF domain containing G2; plus strand). Cytogenetic location: 19q13.2.
Variant type: single nucleotide variant.
Coding change: c.517G>T on transcript NM_022835.3 (MANE Select); coding-DNA position 517, G replaced by T.
Protein change: p.Gly173Trp; replaces glycine 173 with tryptophan.
Molecular consequence: missense variant.
Genome position (GRCh38, 1-based): chr19:39,416,385, G>T. VCF-style: chr19-39416385-G-T. GRCh37 (hg19) VCF-style: chr19-39907025-G-T.
Other names: c.340G>T, p.Gly114Trp (NM_001351693.2); c.517G>T, p.Gly173Trp (NM_001351694.2); c.517G>T (NM_022835.2); short protein forms G114W, G173W.
Identifiers: ClinVar variation 2039436 (VCV002039436.7), dbSNP rs138517241, ClinGen allele CA9429116.